The following is an entry in ClinVar:

NM_002335.4(LRP5):c.4087G>C (p.Asp1363His)

Gene: LRP5 (LDL receptor related protein 5; plus strand). Cytogenetic location: 11q13.2.
Variant type: single nucleotide variant.
Coding change: c.4087G>C on transcript NM_002335.4 (MANE Select); coding-DNA position 4087, G replaced by C.
Protein change: p.Asp1363His; replaces aspartic acid 1363 with histidine.
Molecular consequence: missense variant.
Genome position (GRCh38, 1-based): chr11:68,436,975, G>C. VCF-style: chr11-68436975-G-C. GRCh37 (hg19) VCF-style: chr11-68204443-G-C.
Other names: c.2344G>C, p.Asp782His (NM_001291902.2); short protein forms D1363H, D782H.
Identifiers: ClinVar variation 2910276 (VCV002910276.3), dbSNP rs756378949, ClinGen allele CA381614693.

ClinVar aggregate classification (germline): Pathogenic (1 of 4 stars; one submission).

Submission:

Labcorp Genetics (formerly Invitae), Labcorp
Classification: Pathogenic. Last evaluated: 2024-01-29. Review status: criteria provided, single submitter. Criteria: Invitae Variant Classification Sherloc (09022015). Collection method: clinical testing. Allele origin: germline.
Comment: This sequence change replaces aspartic acid, which is acidic and polar, with histidine, which is basic and polar, at codon 1363 of the LRP5 protein (p.Asp1363His). This variant is not present in population databases (gnomAD no frequency). This missense change has been observed in individual(s) with autosomal dominant familial exudative vitreoretinopathy (PMID: 29181528). In at least one individual the variant was observed to be de novo. Advanced modeling of protein sequence and biophysical properties (such as structural, functional, and spatial information, amino acid conservation, physicochemical variation, residue mobility, and thermodynamic stability) performed at Invitae indicates that this missense variant is expected to disrupt LRP5 protein function with a positive predictive value of 80%. This variant disrupts the p.Asp1363 amino acid residue in LRP5. Other variant(s) that disrupt this residue have been determined to be pathogenic (PMID: 23077402, 25711638). This suggests that this residue is clinically significant, and that variants that disrupt this residue are likely to be disease-causing. For these reasons, this variant has been classified as Pathogenic.

Literature cited by the submitters: PubMed 29181528; PubMed 23077402; PubMed 25711638.